The following is an entry in ClinVar:

NC_000002.12:g.148021685G>A

Genes: MBD5 (methyl-CpG binding domain protein 5; plus strand), ORC4 (origin recognition complex subunit 4; minus strand). Cytogenetic location: 2q23.1.
Variant type: single nucleotide variant.
Molecular consequence: splice donor variant (on NM_001378120.1). On other transcripts: intron variant (1).
Genome position: GRCh38 VCF-style: chr2-148021685-G-A. GRCh37 (hg19) VCF-style: chr2-148779254-G-A.
Other names: c.-925+1G>A (NM_018328.5, NM_001378120.1, NM_001438855.1 and 1 more transcripts); c.-925+639G>A (NM_001438862.1); c.-984+1G>A (NM_001438854.1, NM_001438856.1, NM_001438860.1); c.-1012+1G>A (NM_001438857.1); c.-774+1G>A (NM_001438858.1, NM_001438861.1).
Identifiers: ClinVar variation 4527338 (VCV004527338.1).

ClinVar aggregate classification (germline): Uncertain significance (1 of 4 stars; one submission).

Submission:

GeneDx
Classification: Uncertain significance. Last evaluated: 2025-04-25. Review status: criteria provided, single submitter. Criteria: GeneDx Variant Classification Process June 2021. Collection method: clinical testing. Allele origin: germline. Affected: yes.
Comment: In silico analysis supports a deleterious effect on splicing; Has not been previously published as pathogenic or benign to our knowledge; Located in a regulatory region; in the absence of functional studies, the actual effect of this sequence change is unknown